The following is an entry in ClinVar:

ClinVar aggregate classification (germline): Uncertain significance. Review status: criteria provided, multiple submitters, no conflicts (2 of 4 stars). 4 submissions from 4 submitters: Uncertain significance (4). Last evaluated 2025-09-22.

Conditions:
Inborn genetic diseases. Identifiers: MedGen C0950123, MeSH D030342.
Epidermolysis bullosa simplex, Ogna type (EBS5A). Also called: Pidermolysis bullosa simplex 5A, Ogna type; EPIDERMOLYSIS BULLOSA SIMPLEX 5A, OGNA TYPE. Identifiers: Orphanet 79401, MedGen C0432317, MONDO:0007555, OMIM 131950.
Autosomal recessive limb-girdle muscular dystrophy type 2Q (LGMDR17). Also called: MUSCULAR DYSTROPHY, LIMB-GIRDLE, AUTOSOMAL RECESSIVE 17. Identifiers: Orphanet 254361, MedGen C3150989, MONDO:0013390, OMIM 613723.
Epidermolysis bullosa simplex 5C, with pyloric atresia (EBS5C). Also called: PLEC-Related Epidermolysis Bullosa with Pyloric Atresia; Epidermolysis bullosa simplex with pyloric atresia; PLEC1-Related Epidermolysis Bullosa with Pyloric Atresia. Identifiers: Orphanet 158684, MedGen C2677349, MONDO:0012807, OMIM 612138.
Epidermolysis bullosa simplex 5B, with muscular dystrophy (EBS5B). Also called: EPIDERMOLYSIS BULLOSA SIMPLEX AND LIMB-GIRDLE MUSCULAR DYSTROPHY; Epidermolysis bullosa simplex with muscular dystrophy. Identifiers: Orphanet 257, MedGen C2931072, MONDO:0009181, OMIM 226670.
Epidermolysis bullosa simplex with nail dystrophy (EBS5D). Identifiers: MedGen C4225309, MONDO:0014661, OMIM 616487.

Allele frequency attached by ClinVar (database versions not stated): ExAC 0.00001; gnomAD exomes 0.00001; gnomAD 0.00002; TOPMed 0.00004.
gnomAD v4.1: 125 of 1,613,374 alleles (0.0077%); highest among the groups gnomAD compares: Non-Finnish European, 0.01%; no homozygotes.

Submissions (4):

Labcorp Genetics (formerly Invitae), Labcorp
Classification: Uncertain significance for Autosomal recessive limb-girdle muscular dystrophy type 2Q; Epidermolysis bullosa simplex, Ogna type; Epidermolysis bullosa simplex with nail dystrophy; Epidermolysis bullosa simplex 5C, with pyloric atresia; Epidermolysis bullosa simplex 5B, with muscular dystrophy. Last evaluated: 2025-09-22. Review status: criteria provided, single submitter. Criteria: Invitae Variant Classification Sherloc (09022015). Collection method: clinical testing. Allele origin: germline.
Comment: This sequence change replaces arginine, which is basic and polar, with tryptophan, which is neutral and slightly polar, at codon 4153 of the PLEC protein (p.Arg4153Trp). The frequency data for this variant in the population databases is considered unreliable, as metrics indicate poor data quality at this position in the gnomAD database. This variant has not been reported in the literature in individuals affected with PLEC-related conditions. ClinVar contains an entry for this variant (Variation ID: 568600). Invitae Evidence Modeling of protein sequence and biophysical properties (such as structural, functional, and spatial information, amino acid conservation, physicochemical variation, residue mobility, and thermodynamic stability) indicates that this missense variant is not expected to disrupt PLEC protein function with a negative predictive value of 80%. In summary, the available evidence is currently insufficient to determine the role of this variant in disease. Therefore, it has been classified as a Variant of Uncertain Significance.

GeneDx
Classification: Uncertain significance. Last evaluated: 2024-10-08. Review status: criteria provided, single submitter. Criteria: GeneDx Variant Classification Process June 2021. Collection method: clinical testing. Allele origin: germline. Affected: yes.
Comment: Not observed at significant frequency in large population cohorts (gnomAD); In silico analysis supports that this missense variant has a deleterious effect on protein structure/function; Missense variant in a gene in which most reported pathogenic variants are truncating/loss of function; Has not been previously published as pathogenic or benign to our knowledge

Revvity Omics, Revvity
Classification: Uncertain significance. Last evaluated: 2023-06-27. Review status: criteria provided, single submitter. Criteria: ACMG Guidelines, 2015. Collection method: clinical testing. Allele origin: germline.

Ambry Genetics
Classification: Uncertain significance for Inborn genetic diseases. Last evaluated: 2021-08-16. Review status: criteria provided, single submitter. Criteria: Ambry Variant Classification Scheme 2023. Collection method: clinical testing. Allele origin: germline.

NM_201384.3(PLEC):c.12376C>T (p.Arg4126Trp)

Gene: PLEC (plectin; minus strand). Cytogenetic location: 8q24.3.
Variant type: single nucleotide variant.
Coding change: c.12376C>T on transcript NM_201384.3 (MANE Select); coding-DNA position 12376, C replaced by T.
Protein change: p.Arg4126Trp; replaces arginine 4126 with tryptophan.
Molecular consequence: missense variant.
Genome position (GRCh38, 1-based): chr8:143,917,445, G>A on the plus strand (C>T on the coding strand, the complement: PLEC is on the minus strand). VCF-style: chr8-143917445-G-A. GRCh37 (hg19) VCF-style: chr8-144991613-G-A.
Other names: c.12457C>T (NM_000445.3); c.12457C>T, p.Arg4153Trp (NM_000445.5); c.12334C>T, p.Arg4112Trp (NM_201378.4); c.12310C>T, p.Arg4104Trp (NM_201379.3); c.12787C>T, p.Arg4263Trp (NM_201380.4); c.12280C>T, p.Arg4094Trp (NM_201381.3); c.12376C>T, p.Arg4126Trp (NM_201382.4); c.12388C>T, p.Arg4130Trp (NM_201383.3); short protein forms R4112W, R4263W, R4126W, R4094W, R4104W, R4130W, R4153W.
Identifiers: ClinVar variation 568600 (VCV000568600.15), dbSNP rs782705985, ClinGen allele CA4924102.
Genomic context (GRCh38, chr8:143,917,445, plus strand): 5'-GGTCCACGATGACCACTCGGCGCTTGCGCACGGAGGACTTGGAGGACGTCTTCCGCTCCC[G>A]CTTCTTCTCCTTCAGCGGCAAGAGACACAGGCCCGTCTGGGGGTCAGTGATACAACGCTC-3'
Protein context (NP_958786.1, residues 4116-4136): LCLLPLKEKK[Arg4126Trp]ERKTSSKSSV